The following is an entry in ClinVar:

ClinVar aggregate classification (germline): Uncertain significance (1 of 4 stars; one submission).

Submission:

CeGaT Center for Human Genetics Tuebingen
Classification: Uncertain significance. Last evaluated: 2024-05-01. Review status: criteria provided, single submitter. Criteria: CeGaT Center For Human Genetics Tuebingen Variant Classification Criteria Version 2. Collection method: clinical testing. Allele origin: germline. Affected: yes. Observed: 1 variant allele.
Comment: SVIL: PM2, BP4

NM_021738.3(SVIL):c.3256C>G (p.Gln1086Glu)

Gene: SVIL (supervillin; minus strand). Cytogenetic location: 10p11.23.
Variant type: single nucleotide variant.
Coding change: c.3256C>G on transcript NM_021738.3 (MANE Select); coding-DNA position 3256, C replaced by G.
Protein change: p.Gln1086Glu; replaces glutamine 1086 with glutamic acid.
Molecular consequence: missense variant.
Genome position (GRCh38, 1-based): chr10:29,522,543, G>C on the plus strand (C>G on the coding strand, the complement: SVIL is on the minus strand). VCF-style: chr10-29522543-G-C. GRCh37 (hg19) VCF-style: chr10-29811472-G-C.
Other names: c.2326C>G, p.Gln776Glu (NM_001323599.2); c.2074C>G, p.Gln692Glu (NM_001323600.1); c.1978C>G, p.Gln660Glu (NM_003174.3); short protein forms Q1086E, Q660E, Q692E, Q776E.
Identifiers: ClinVar variation 3239437 (VCV003239437.19), dbSNP rs2492027925.